The following is an entry in ClinVar:

ClinVar aggregate classification (germline): Uncertain significance (1 of 4 stars; one submission).

Conditions:
Hypogonadotropic hypogonadism 1 with or without anosmia (HH1). Also called: Kallmann syndrome, type 1, X-linked; DYSPLASIA OLFACTOGENITALIS OF DE MORSIER; HYPOGONADOTROPIC HYPOGONADISM 1 WITH ANOSMIA; KAL1-Related GnRH Deficiency (Kallmann Syndrome 1; Kallmann Syndrome, X-Linked); Hypogonadotropic hypogonadism 1 with or without anosmia (Kallmann syndrome 1); HYPOGONADOTROPIC HYPOGONADISM AND ANOSMIA. Identifiers: Orphanet 478, MedGen C1563719, MONDO:0010635, OMIM 308700. Disease mechanism: loss of function.

Allele frequency attached by ClinVar (database versions not stated): gnomAD exomes below 0.00001; TOPMed below 0.00001.

Submission:

Labcorp Genetics (formerly Invitae), Labcorp
Classification: Uncertain significance for Hypogonadotropic hypogonadism 1 with or without anosmia. Last evaluated: 2024-10-26. Review status: criteria provided, single submitter. Criteria: Invitae Variant Classification Sherloc (09022015). Collection method: clinical testing. Allele origin: germline.
Comment: This sequence change replaces valine, which is neutral and non-polar, with isoleucine, which is neutral and non-polar, at codon 44 of the ANOS1 protein (p.Val44Ile). This variant is not present in population databases (gnomAD no frequency). This variant has not been reported in the literature in individuals affected with ANOS1-related conditions. Invitae Evidence Modeling of protein sequence and biophysical properties (such as structural, functional, and spatial information, amino acid conservation, physicochemical variation, residue mobility, and thermodynamic stability) indicates that this missense variant is not expected to disrupt ANOS1 protein function with a negative predictive value of 80%. In summary, the available evidence is currently insufficient to determine the role of this variant in disease. Therefore, it has been classified as a Variant of Uncertain Significance.

NM_000216.4(ANOS1):c.130G>A (p.Val44Ile)

Gene: ANOS1 (anosmin 1; minus strand). Cytogenetic location: Xp22.31.
Variant type: single nucleotide variant.
Coding change: c.130G>A on transcript NM_000216.4 (MANE Select); coding-DNA position 130, G replaced by A.
Protein change: p.Val44Ile; replaces valine 44 with isoleucine.
Molecular consequence: missense variant.
Genome position (GRCh38, 1-based): chrX:8,731,907, C>T on the plus strand (G>A on the coding strand, the complement: ANOS1 is on the minus strand). VCF-style: chrX-8731907-C-T. GRCh37 (hg19) VCF-style: chrX-8699948-C-T.
Other names: short protein forms V44I.
Identifiers: ClinVar variation 2712428 (VCV002712428.3), dbSNP rs1932983052, ClinGen allele CA412024427.
Genomic context (GRCh38, chrX:8,731,907, plus strand): 5'-AGGCGGAGATGCGAGTGATCTGCAGGCTCAGGCACCTGGAGGCGCAGCGAGCGCGCTGGA[C>T]GCTCCCGGCAGACAGCGACTCGTCCAGCCGCCGCGCAGCAGCCGCGCCGGGGCCGGCCGC-3'
Protein context (NP_000207.2, residues 34-54): RLDESLSAGS[Val44Ile]QRARCASRCL